The following is an entry in ClinVar:

ClinVar aggregate classification (germline): Uncertain significance (1 of 4 stars; one submission).

Conditions:
DIAPH1-related disorder. Also called: DIAPH1-related condition.

gnomAD v4.1: 1 of 1,614,032 alleles (0.000062%); highest among the groups gnomAD compares: East Asian, 0.0022%; no homozygotes.

Submission:

PreventionGenetics, part of Exact Sciences
Classification: Uncertain significance for DIAPH1-related condition. Last evaluated: 2026-06-16. Review status: criteria provided, single submitter. Criteria: ACMG Guidelines, 2015. Collection method: clinical testing. Allele origin: germline.
Comment: The DIAPH1 c.1237A>G variant is predicted to result in the amino acid substitution p.Ile413Val. To our knowledge, this variant has not been reported in the literature. This variant is reported in 0.0056% of alleles in individuals of East Asian descent in gnomAD. At this time, the clinical significance of this variant is uncertain due to the absence of conclusive functional and genetic evidence.

NM_005219.5(DIAPH1):c.1237A>G (p.Ile413Val)

Gene: DIAPH1 (diaphanous related formin 1; minus strand). Cytogenetic location: 5q31.3.
Variant type: single nucleotide variant.
Coding change: c.1237A>G on transcript NM_005219.5 (MANE Select); coding-DNA position 1237, A replaced by G.
Protein change: p.Ile413Val; replaces isoleucine 413 with valine.
Molecular consequence: missense variant.
Genome position (GRCh38, 1-based): chr5:141,577,518, T>C on the plus strand (A>G on the coding strand, the complement: DIAPH1 is on the minus strand). VCF-style: chr5-141577518-T-C. GRCh37 (hg19) VCF-style: chr5-140957085-T-C.
Other names: c.1210A>G, p.Ile404Val (NM_001079812.3); c.1237A>G, p.Ile413Val (NM_001314007.2); short protein forms I404V, I413V.
Identifiers: ClinVar variation 4990115 (VCV004990115.1).